The following is an entry in ClinVar:

NM_001378454.1(ALMS1):c.8267A>G (p.Glu2756Gly)

Gene: ALMS1 (ALMS1 centrosome and basal body associated protein; plus strand). Cytogenetic location: 2p13.1.
Variant type: single nucleotide variant.
Coding change: c.8267A>G on transcript NM_001378454.1 (MANE Select); coding-DNA position 8267, A replaced by G.
Protein change: p.Glu2756Gly; replaces glutamic acid 2756 with glycine.
Molecular consequence: missense variant.
Genome position (GRCh38, 1-based): chr2:73,490,226, A>G. VCF-style: chr2-73490226-A-G. GRCh37 (hg19) VCF-style: chr2-73717353-A-G.
Other names: c.8270A>G, p.Glu2757Gly (NM_015120.4); short protein forms E2756G, E2757G.
Identifiers: ClinVar variation 2770019 (VCV002770019.4), dbSNP rs2466215014, ClinGen allele CA347268051.

ClinVar aggregate classification (germline): Uncertain significance. Review status: criteria provided, multiple submitters, no conflicts (2 of 4 stars). 2 submissions from 2 submitters: Uncertain significance (2). Last evaluated 2023-10-18.

Conditions:
Alstrom syndrome (ALMS). Identifiers: Orphanet 64, MedGen C0268425, MONDO:0008763, OMIM 203800.

Submissions (2):

Labcorp Genetics (formerly Invitae), Labcorp
Classification: Uncertain significance for Alstrom syndrome. Last evaluated: 2023-10-18. Review status: criteria provided, single submitter. Criteria: Invitae Variant Classification Sherloc (09022015). Collection method: clinical testing. Allele origin: germline.
Comment: This sequence change replaces glutamic acid, which is acidic and polar, with glycine, which is neutral and non-polar, at codon 2757 of the ALMS1 protein (p.Glu2757Gly). This variant is not present in population databases (gnomAD no frequency). This variant has not been reported in the literature in individuals affected with ALMS1-related conditions. Experimental studies and prediction algorithms are not available or were not evaluated, and the functional significance of this variant is currently unknown. In summary, the available evidence is currently insufficient to determine the role of this variant in disease. Therefore, it has been classified as a Variant of Uncertain Significance.

Blueprint Genetics
Classification: Uncertain significance. Last evaluated: 2019-06-18. Review status: criteria provided, single submitter. Criteria: ACMG Guidelines, 2015. Collection method: clinical testing. Allele origin: germline.